The following is an entry in ClinVar:

NM_018979.4(WNK1):c.2222A>C (p.Gln741Pro)

Gene: WNK1 (WNK lysine deficient protein kinase 1; plus strand). Cytogenetic location: 12p13.33.
Variant type: single nucleotide variant.
Coding change: c.2222A>C on transcript NM_018979.4 (MANE Select); coding-DNA position 2222, A replaced by C.
Protein change: p.Gln741Pro; replaces glutamine 741 with proline.
Molecular consequence: missense variant.
Genome position (GRCh38, 1-based): chr12:871,347, A>C. VCF-style: chr12-871347-A-C. GRCh37 (hg19) VCF-style: chr12-980513-A-C.
Other names: c.3461A>C, p.Gln1154Pro (NM_001184985.2); c.2222A>C, p.Gln741Pro (NM_014823.3); c.3716A>C, p.Gln1239Pro (NM_213655.5); short protein forms Q1154P, Q1239P, Q741P.
Identifiers: ClinVar variation 2953900 (VCV002953900.3), dbSNP rs979483248, ClinGen allele CA383343091.
Genomic context (GRCh38, chr12:871,347, plus strand): 5'-AGCCATCCTCAAGTAGCTTAACAGGGGTTTCATCTTCCCAACCCATACAACATCCTCAGC[A>C]GGTGAGAACAATGCATTGCAACATTTTATGAATTAGCAGTGGCCAGAACACTATTTTAAC-3'
Protein context (NP_061852.3, residues 731-751): SSSQPIQHPQ[Gln741Pro]QQGIQQTAPP

ClinVar aggregate classification (germline): Uncertain significance (1 of 4 stars; one submission).

Conditions:
Neuropathy, hereditary sensory and autonomic, type 2A (HSAN2A). Also called: HSAN IIA; WNK1-Related HSAN2 (HSAN2A); ACROOSTEOLYSIS, GIACCAI TYPE; ACROOSTEOLYSIS, NEUROGENIC; MORVAN DISEASE; NEUROPATHY, CONGENITAL SENSORY. Identifiers: Orphanet 970, MedGen C2752089, MONDO:0024309, OMIM 201300.
Pseudohypoaldosteronism type 2C (PHA2C). Also called: Pseudohypoaldosteronism Type IIC. Identifiers: Orphanet 757, Orphanet 88940, MedGen C1840391, MONDO:0013778, OMIM 614492.

Submission:

Labcorp Genetics (formerly Invitae), Labcorp
Classification: Uncertain significance for Neuropathy, hereditary sensory and autonomic, type 2A; Pseudohypoaldosteronism type 2C. Last evaluated: 2024-08-30. Review status: criteria provided, single submitter. Criteria: Invitae Variant Classification Sherloc (09022015). Collection method: clinical testing. Allele origin: germline.
Comment: This sequence change replaces glutamine, which is neutral and polar, with proline, which is neutral and non-polar, at codon 1239 of the WNK1 protein (p.Gln1239Pro). This variant is not present in population databases (gnomAD no frequency). This variant has not been reported in the literature in individuals affected with WNK1-related conditions. Experimental studies and prediction algorithms are not available or were not evaluated, and the functional significance of this variant is currently unknown. Algorithms developed to predict the effect of sequence changes on RNA splicing suggest that this variant may disrupt the consensus splice site. In summary, the available evidence is currently insufficient to determine the role of this variant in disease. Therefore, it has been classified as a Variant of Uncertain Significance.